The following is an entry in ClinVar:

ClinVar aggregate classification (germline): Uncertain significance. Review status: criteria provided, multiple submitters, no conflicts (2 of 4 stars). 2 submissions from 2 submitters: Uncertain significance (2). Last evaluated 2025-08-06.

Conditions:
BEST1-related disorder. Also called: BEST1-related condition; BEST1-related disorders. Identifiers: MedGen CN239200.

Submissions (2):

GeneDx
Classification: Uncertain significance. Last evaluated: 2025-08-06. Review status: criteria provided, single submitter. Criteria: GeneDx Variant Classification Process June 2021. Collection method: clinical testing. Allele origin: germline. Affected: yes.
Comment: Not observed at significant frequency in large population cohorts (gnomAD); In silico analysis supports that this missense variant has a deleterious effect on protein structure/function; Has not been previously published as pathogenic or benign to our knowledge

3billion
Classification: Uncertain significance for BEST1-related disorder. Last evaluated: 2024-10-10. Review status: criteria provided, single submitter. Criteria: ACMG Guidelines, 2015. Collection method: clinical testing. Allele origin: germline. Affected: yes.
Comment: The variant is not observed in the gnomAD v4.1.0 dataset. Predicted Consequence/Location: Missense variant In silico tool predictions suggest damaging effect of the variant on gene or gene product [REVEL: 0.99 (>=0.6, sensitivity 0.68 and specificity 0.92); 3Cnet: 1.00 (>=0.6, sensitivity 0.72 and precision 0.9)]. Therefore, this variant is classified as VUS according to the recommendation of ACMG/AMP guideline.

NM_004183.4(BEST1):c.413T>A (p.Leu138His)

Gene: BEST1 (bestrophin 1; plus strand). Cytogenetic location: 11q12.3.
Variant type: single nucleotide variant.
Coding change: c.413T>A on transcript NM_004183.4 (MANE Select); coding-DNA position 413, T replaced by A.
Protein change: p.Leu138His; replaces leucine 138 with histidine.
Molecular consequence: missense variant. On other transcripts: 5 prime UTR variant (1), non-coding transcript variant (1).
Genome position (GRCh38, 1-based): chr11:61,955,883, T>A. VCF-style: chr11-61955883-T-A. GRCh37 (hg19) VCF-style: chr11-61723355-T-A.
Other names: c.413T>A (NM_004183.3); c.233T>A, p.Leu78His (NM_001139443.3, NM_001300786.2, NM_001300787.2 and 3 more transcripts); c.95T>A, p.Leu32His (NM_001363591.3); c.413T>A, p.Leu138His (NM_001363592.2, NM_001440571.1, NM_001440572.1 and 1 more transcripts); c.-763T>A (NM_001363593.3); short protein forms L138H, L32H, L78H.
Identifiers: ClinVar variation 4292976 (VCV004292976.2).
Genomic context (GRCh38, chr11:61,955,883, plus strand): 5'-ACGAGCAAGGCCGGCTGCTGCGGCGCACGCTCATCCGCTACGCCAACCTGGGCAACGTGC[T>A]CATCCTGCGCAGCGTCAGCACCGCAGTCTACAAGCGCTTCCCCAGCGCCCAGCACCTGGT-3'
Protein context (NP_004174.1, residues 128-148): LIRYANLGNV[Leu138His]ILRSVSTAVY